The following is an entry in ClinVar:

NM_002528.7(NTHL1):c.429G>A (p.Met143Ile)

Gene: NTHL1 (nth like DNA glycosylase 1; minus strand). Cytogenetic location: 16p13.3.
Variant type: single nucleotide variant.
Coding change: c.429G>A on transcript NM_002528.7 (MANE Select); coding-DNA position 429, G replaced by A.
Protein change: p.Met143Ile; replaces methionine 143 with isoleucine.
Molecular consequence: missense variant. On other transcripts: intron variant (1).
Genome position (GRCh38, 1-based): chr16:2,044,726, C>T on the plus strand (G>A on the coding strand, the complement: NTHL1 is on the minus strand). VCF-style: chr16-2044726-C-T. GRCh37 (hg19) VCF-style: chr16-2094727-C-T.
Other names: c.99G>A, p.Met33Ile (NM_001318194.2); c.355-1000G>A (NM_001318193.2); c.453G>A (NM_002528.5); short protein forms M33I, M143I.
Identifiers: ClinVar variation 3650314 (VCV003650314.3).
Genomic context (GRCh38, chr16:2,044,726, plus strand): 5'-CGTGGCATCATCTGTCTGCAGGATGCTGTCCACCGTCAGGCCCCGCGCCCGCAGTCGCTG[C>T]ATGGCGCCCGCCGTCACCTGGTCTTTGGTTTGGCTGGAGAGCATCAGTGACAGCAGCACC-3'
Protein context (NP_002519.2, residues 133-153): QTKDQVTAGA[Met143Ile]QRLRARGLTV

ClinVar aggregate classification (germline): Uncertain significance. Review status: criteria provided, multiple submitters, no conflicts (2 of 4 stars). 2 submissions from 2 submitters: Uncertain significance (2). Last evaluated 2025-11-03.

Conditions:
Hereditary cancer-predisposing syndrome. Also called: Neoplastic Syndromes, Hereditary; Tumor predisposition; Hereditary neoplastic syndrome; Hereditary Cancer Syndrome. Identifiers: Orphanet 140162, MedGen C0027672, MeSH D009386, MONDO:0015356.

Submissions (2):

Ambry Genetics
Classification: Uncertain significance for Hereditary cancer-predisposing syndrome. Last evaluated: 2025-11-03. Review status: criteria provided, single submitter. Criteria: Ambry Variant Classification Scheme 2023. Collection method: clinical testing. Allele origin: germline.
Comment: The p.M151I variant (also known as c.453G>A), located in coding exon 3 of the NTHL1 gene, results from a G to A substitution at nucleotide position 453. The methionine at codon 151 is replaced by isoleucine, an amino acid with highly similar properties. This amino acid position is conserved. In addition, this alteration is predicted to be deleterious by in silico analysis. Based on the available evidence, the clinical significance of this variant remains unclear.

Labcorp Genetics (formerly Invitae), Labcorp
Classification: Uncertain significance. Last evaluated: 2024-10-07. Review status: criteria provided, single submitter. Criteria: Invitae Variant Classification Sherloc (09022015). Collection method: clinical testing. Allele origin: germline.
Comment: This sequence change replaces methionine, which is neutral and non-polar, with isoleucine, which is neutral and non-polar, at codon 151 of the NTHL1 protein (p.Met151Ile). This variant is not present in population databases (gnomAD no frequency). This variant has not been reported in the literature in individuals affected with NTHL1-related conditions. An algorithm developed to predict the effect of missense changes on protein structure and function (PolyPhen-2) suggests that this variant is likely to be tolerated. In summary, the available evidence is currently insufficient to determine the role of this variant in disease. Therefore, it has been classified as a Variant of Uncertain Significance.